The following is an entry in ClinVar:

NM_182961.4(SYNE1):c.1792_1793del (p.Val599fs)

Gene: SYNE1 (spectrin repeat containing nuclear envelope protein 1; minus strand). Cytogenetic location: 6q25.2.
Variant type: Microsatellite.
Coding change: c.1792_1793del on transcript NM_182961.4 (MANE Select); coding-DNA positions 1792 to 1793, 2 bases deleted (TC; older notation c.1792_1793delTC).
Protein change: p.Val599fs; shifts the reading frame from valine 599.
Molecular consequence: frameshift variant.
Genome position (GRCh38, 1-based): chr6:152,465,397-152,465,398, GA deleted on the plus strand (TC on the coding strand, the reverse complement: SYNE1 is on the minus strand); deleting any 2 consecutive bases within chr6:152,465,397-152,465,402 gives the same sequence; the c. name uses the placement nearest the transcript's 3' end. VCF-style (leftmost placement, unchanged base first): chr6-152465396-TGA-T. GRCh37 (hg19) VCF-style: chr6-152786531-TGA-T.
Other names: c.1813_1814del, p.Val606fs (NM_033071.5); short protein forms V599fs, V606fs.
Identifiers: ClinVar variation 3391389 (VCV003391389.1).

ClinVar aggregate classification (germline): Likely pathogenic (1 of 4 stars; one submission).

Conditions:
Autosomal recessive ataxia, Beauce type. Also called: SYNE1 Deficiency; Spinocerebellar ataxia, autosomal recessive 8; ATAXIA, RECESSIVE, OF BEAUCE; SYNE1-Related Autosomal Recessive Cerebellar Ataxia. Identifiers: Orphanet 88644, MedGen C1853116, MONDO:0012549, OMIM 610743.

Submission:

Neuberg Centre For Genomic Medicine, NCGM
Classification: Likely pathogenic for Autosomal recessive ataxia, Beauce type. Last evaluated: 2023-06-22. Review status: criteria provided, single submitter. Criteria: ACMG Guidelines, 2015. Collection method: clinical testing. Allele origin: germline. Inheritance: Autosomal recessive inheritance. Affected: yes.
Comment: The frameshift variant c.1792_1793del p.Val599ArgfsTer15 in the SYNE1 gene has not been reported previously as a pathogenic variant nor as a benign variant, to our knowledge. The variant is absent in the gnomAD Exomes. This variant causes a frameshift starting with codon Valine 599, changes this amino acid to Arginine residue, and creates a premature Stop codon at position 15 of the new reading frame. This variant is predicted to cause loss of normal protein function through protein truncation. Loss of function variants have been previously reported to be disease-causing Qian et al., 2022. For these reasons, this variant has been classified as Likely Pathogenic.